The following is an entry in ClinVar:

ClinVar aggregate classification (germline): Uncertain significance (1 of 4 stars; one submission).

Conditions:
Hereditary spastic paraplegia 11. Also called: SPASTIC PARAPLEGIA, AUTOSOMAL RECESSIVE, COMPLICATED, WITH THIN CORPUS CALLOSUM; SPASTIC PARAPLEGIA, AUTOSOMAL RECESSIVE, WITH MENTAL IMPAIRMENT AND THIN CORPUS CALLOSUM; Nakamura Osame syndrome; Autosomal recessive hereditary spastic paraplegia, mental impairment, and thin corpus callosum; Spastic paraplegia, mental retardation and thin corpus callosum; Spastic Paraplegia 11. Identifiers: Orphanet 2822, MedGen C1858479, MONDO:0011445, OMIM 604360.

Allele frequency attached by ClinVar (database versions not stated): ExAC 0.00001; gnomAD exomes 0.00001.
gnomAD v4.1: 3 of 1,613,876 alleles (0.00019%); highest among the groups gnomAD compares: Admixed American, 0.005%; no homozygotes.

Submission:

Labcorp Genetics (formerly Invitae), Labcorp
Classification: Uncertain significance for Hereditary spastic paraplegia 11. Last evaluated: 2022-07-05. Review status: criteria provided, single submitter. Criteria: Invitae Variant Classification Sherloc (09022015). Collection method: clinical testing. Allele origin: germline.
Comment: In summary, the available evidence is currently insufficient to determine the role of this variant in disease. Therefore, it has been classified as a Variant of Uncertain Significance. Algorithms developed to predict the effect of missense changes on protein structure and function output the following: SIFT: "Tolerated"; PolyPhen-2: "Possibly Damaging"; Align-GVGD: "Class C0". The lysine amino acid residue is found in multiple mammalian species, which suggests that this missense change does not adversely affect protein function. ClinVar contains an entry for this variant (Variation ID: 1412471). This variant has not been reported in the literature in individuals affected with SPG11-related conditions. This variant is present in population databases (rs755774331, gnomAD 0.009%). This sequence change replaces arginine, which is basic and polar, with lysine, which is basic and polar, at codon 936 of the SPG11 protein (p.Arg936Lys).

NM_025137.4(SPG11):c.2807G>A (p.Arg936Lys)

Gene: SPG11 (SPG11 vesicle trafficking associated, spatacsin; minus strand). Cytogenetic location: 15q21.1.
Variant type: single nucleotide variant.
Coding change: c.2807G>A on transcript NM_025137.4 (MANE Select); coding-DNA position 2807, G replaced by A.
Protein change: p.Arg936Lys; replaces arginine 936 with lysine.
Molecular consequence: missense variant.
Genome position (GRCh38, 1-based): chr15:44,620,217, C>T on the plus strand (G>A on the coding strand, the complement: SPG11 is on the minus strand). VCF-style: chr15-44620217-C-T. GRCh37 (hg19) VCF-style: chr15-44912415-C-T.
Other names: c.2807G>A, p.Arg936Lys (NM_001160227.2); short protein forms R936K.
Identifiers: ClinVar variation 1412471 (VCV001412471.6), dbSNP rs755774331, ClinGen allele CA7535141.
Genomic context (GRCh38, chr15:44,620,217, plus strand): 5'-TCCCATTGGGTATTAGTTCAACAGTTATAATACCTGGCCAGCTTATCTAAAATTTCATTC[C>T]TCATGTAGTTGTTACAGGAAGTATTCTGGTTAATAACATCAACAGTCAGAAGGGGCCATT-3'
Protein context (NP_079413.3, residues 926-946): NQNTSCNNYM[Arg936Lys]NEILDKLARN